The following is an entry in ClinVar:

NM_032382.5(COG8):c.1265C>T (p.Thr422Met)

Gene: COG8 (component of oligomeric golgi complex 8; minus strand). Cytogenetic location: 16q22.1.
Variant type: single nucleotide variant.
Coding change: c.1265C>T on transcript NM_032382.5 (MANE Select); coding-DNA position 1265, C replaced by T.
Protein change: p.Thr422Met; replaces threonine 422 with methionine.
Molecular consequence: missense variant.
Genome position (GRCh38, 1-based): chr16:69,334,669, G>A on the plus strand (C>T on the coding strand, the complement: COG8 is on the minus strand). VCF-style: chr16-69334669-G-A. GRCh37 (hg19) VCF-style: chr16-69368572-G-A.
Other names: c.1265C>T, p.Thr422Met (NM_001374871.1, NM_001379261.1, NM_001379262.1 and 4 more transcripts); short protein forms T422M.
Identifiers: ClinVar variation 3147139 (VCV003147139.3), dbSNP rs372459047, ClinGen allele CA8133753.

ClinVar aggregate classification (germline): Uncertain significance. Review status: criteria provided, multiple submitters, no conflicts (2 of 4 stars). 2 submissions from 2 submitters: Uncertain significance (2). Last evaluated 2025-12-08.

Conditions:
Inborn genetic diseases. Identifiers: MedGen C0950123, MeSH D030342.
COG8-congenital disorder of glycosylation. Also called: CDG IIh; COG8-CDG. Identifiers: Orphanet 95428, MedGen C1970021, MONDO:0012635, OMIM 611182.

Allele frequency attached by ClinVar (database versions not stated): TOPMed 0.00001; ExAC 0.00003; gnomAD 0.00003; gnomAD exomes 0.00003; ESP Exome Variant Server 0.00008.
gnomAD v4.1: 50 of 1,614,108 alleles (0.0031%); highest among the groups gnomAD compares: East Asian, 0.053%; no homozygotes.

Submissions (2):

Labcorp Genetics (formerly Invitae), Labcorp
Classification: Uncertain significance for COG8-congenital disorder of glycosylation. Last evaluated: 2025-12-08. Review status: criteria provided, single submitter. Criteria: Invitae Variant Classification Sherloc (09022015). Collection method: clinical testing. Allele origin: germline.
Comment: This sequence change replaces threonine, which is neutral and polar, with methionine, which is neutral and non-polar, at codon 422 of the COG8 protein (p.Thr422Met). This variant is present in population databases (rs372459047, gnomAD 0.01%). This variant has not been reported in the literature in individuals affected with COG8-related conditions. ClinVar contains an entry for this variant (Variation ID: 3147139). Invitae Evidence Modeling of protein sequence and biophysical properties (such as structural, functional, and spatial information, amino acid conservation, physicochemical variation, residue mobility, and thermodynamic stability) has been performed for this missense variant. However, the output from this modeling did not meet the statistical confidence thresholds required to predict the impact of this variant on COG8 protein function. In summary, the available evidence is currently insufficient to determine the role of this variant in disease. Therefore, it has been classified as a Variant of Uncertain Significance.

Ambry Genetics
Classification: Uncertain significance for Inborn genetic diseases. Last evaluated: 2024-03-11. Review status: criteria provided, single submitter. Criteria: Ambry Variant Classification Scheme 2023. Collection method: clinical testing. Allele origin: germline.